The following is an entry in ClinVar:

NM_007294.4(BRCA1):c.2523G>A (p.Arg841=)

Gene: BRCA1 (BRCA1 DNA repair associated; minus strand). Cytogenetic location: 17q21.31.
Variant type: single nucleotide variant.
Coding change: c.2523G>A on transcript NM_007294.4 (MANE Select); coding-DNA position 2523, G replaced by A.
Protein change: p.Arg841=; no amino-acid change (arginine 841 retained).
Molecular consequence: synonymous variant. On other transcripts: intron variant (137).
Genome position (GRCh38, 1-based): chr17:43,093,008, C>T on the plus strand (G>A on the coding strand, the complement: BRCA1 is on the minus strand). VCF-style: chr17-43093008-C-T. GRCh37 (hg19) VCF-style: chr17-41245025-C-T.
Other names: c.2310G>A, p.Arg770= (NM_001407571.1, NM_001407853.1, NM_001407894.1 and 9 more transcripts); c.2523G>A, p.Arg841= (NM_001407581.1, NM_001407582.1, NM_001407583.1 and 30 more transcripts); c.2520G>A, p.Arg840= (NM_001407587.1, NM_001407590.1, NM_001407591.1 and 22 more transcripts); c.2514G>A, p.Arg838= (NM_001407646.1, NM_001407647.1); c.2400G>A, p.Arg800= (NM_001407648.1, NM_001407664.1, NM_001407665.1 and 19 more transcripts); c.2397G>A, p.Arg799= (NM_001407649.1, NM_001407670.1, NM_001407671.1 and 11 more transcripts); c.2445G>A, p.Arg815= (NM_001407653.1, NM_001407654.1, NM_001407655.1 and 4 more transcripts); c.2442G>A, p.Arg814= (NM_001407659.1, NM_001407660.1, NM_001407661.1 and 1 more transcripts); and 41 more.
Identifiers: ClinVar variation 185316 (VCV000185316.32), dbSNP rs773013395, ClinGen allele CA001672.
Genomic context (GRCh38, chr17:43,093,008, plus strand): 5'-GAATGTATTCTGCAAATACTGAGCATCAAGTTCACTTTCTTCCATTTCTATGCTTGTTTC[C>T]CGACTGTGGTTAACTTCATGTCCCAATGGATACTTAAAGCCTTCTGTGTCATTTCTATTA-3'
Protein context (NP_009225.1, residues 831-851): YPLGHEVNHS[Arg841=]ETSIEMEESE

ClinVar aggregate classification (germline): Likely benign. Review status: reviewed by expert panel (3 of 4 stars). 8 submissions from 8 submitters: Likely benign (1). 7 of the submissions do not count toward it. Last evaluated 2017-06-29.

Conditions:
Hereditary breast ovarian cancer syndrome. Also called: Hereditary breast and ovarian cancer syndrome; Hereditary breast and ovarian cancer syndrome (HBOC); BRCA1- and BRCA2-Associated Hereditary Breast and Ovarian Cancer; Breast and ovarian cancer; Hereditary breast and ovarian cancer; Hereditary breast and/or ovarian cancer syndrome. Identifiers: Orphanet 145, MedGen C0677776, MeSH D061325, MONDO:0003582. Disease mechanism: loss of function.
Breast and/or ovarian cancer. Identifiers: MedGen CN221562.
Hereditary cancer-predisposing syndrome. Also called: Hereditary Cancer Syndrome; Hereditary neoplastic syndrome; Tumor predisposition; Neoplastic Syndromes, Hereditary. Identifiers: Orphanet 140162, MedGen C0027672, MeSH D009386, MONDO:0015356.
Breast-ovarian cancer, familial, susceptibility to, 1 (BROVCA1). Also called: OVARIAN CANCER, SUSCEPTIBILITY TO; BRCA1 Hereditary Breast and Ovarian Cancer. Identifiers: Orphanet 145, MedGen C2676676, MONDO:0011450, OMIM 604370. Disease mechanism: loss of function.

Allele frequency attached by ClinVar (database versions not stated): gnomAD exomes below 0.00001 and 0.00001; ExAC 0.00001.
gnomAD v4.1: 11 of 1,613,780 alleles (0.00068%); highest among the groups gnomAD compares: Non-Finnish European, 0.00085%; no homozygotes.

Submissions (8):

Evidence-based Network for the Interpretation of Germline Mutant Alleles (ENIGMA)
Classification: Likely benign for Breast-ovarian cancer, familial, susceptibility to, 1. Last evaluated: 2017-06-29. Review status: reviewed by expert panel. Criteria: ENIGMA BRCA1/2 Classification Criteria (2017-06-29). Collection method: curation. Allele origin: germline.
Comment: Synonymous substitution variant, with low bioinformatic likelihood to result in a splicing aberration (Splicing prior probability 0.02).

Labcorp Genetics (formerly Invitae), Labcorp
Classification: Likely benign for Hereditary breast ovarian cancer syndrome. Last evaluated: 2025-06-10. Review status: criteria provided, single submitter. Criteria: Invitae Variant Classification Sherloc (09022015). Collection method: clinical testing. Allele origin: germline. Not counted in ClinVar's aggregate classification.

Women's Health and Genetics/Laboratory Corporation of America, LabCorp
Classification: Likely benign. Last evaluated: 2024-12-06. Review status: criteria provided, single submitter. Criteria: LabCorp Variant Classification Summary - May 2015. Collection method: clinical testing. Allele origin: germline. Not counted in ClinVar's aggregate classification.

CHEO Genetics Diagnostic Laboratory, Children's Hospital of Eastern Ontario
Classification: Likely benign for Breast and/or ovarian cancer. Last evaluated: 2022-10-06. Review status: criteria provided, single submitter. Criteria: ACMG Guidelines, 2015. Collection method: clinical testing. Allele origin: germline. Not counted in ClinVar's aggregate classification.

Color Diagnostics, LLC DBA Color Health
Classification: Likely benign for Hereditary cancer-predisposing syndrome. Last evaluated: 2017-01-17. Review status: criteria provided, single submitter. Criteria: ACMG Guidelines, 2015. Collection method: clinical testing. Allele origin: germline. Not counted in ClinVar's aggregate classification.

GeneDx
Classification: Benign. Last evaluated: 2015-03-03. Review status: criteria provided, single submitter. Criteria: GeneDx Variant Classification Process June 2021. Collection method: clinical testing. Allele origin: germline. Affected: yes. Not counted in ClinVar's aggregate classification.

Ambry Genetics
Classification: Likely benign for Hereditary cancer-predisposing syndrome. Last evaluated: 2014-06-17. Review status: criteria provided, single submitter. Criteria: Ambry Variant Classification Scheme 2023. Collection method: clinical testing. Allele origin: germline. Not counted in ClinVar's aggregate classification.

Mayo Clinic Laboratories, Mayo Clinic
Classification: Likely benign. Last evaluated: 2017-12-01. Review status: no assertion criteria provided. Collection method: clinical testing. Allele origin: unknown. Not counted in ClinVar's aggregate classification.